The following is an entry in ClinVar:

NM_000718.4(CACNA1B):c.3255G>A (p.Thr1085=)

Gene: CACNA1B (calcium voltage-gated channel subunit alpha1 B; plus strand). Cytogenetic location: 9q34.3.
Variant type: single nucleotide variant.
Coding change: c.3255G>A on transcript NM_000718.4 (MANE Select); coding-DNA position 3255, G replaced by A.
Protein change: p.Thr1085=; no amino-acid change (threonine 1085 retained).
Molecular consequence: synonymous variant.
Genome position (GRCh38, 1-based): chr9:138,025,141, G>A. VCF-style: chr9-138025141-G-A. GRCh37 (hg19) VCF-style: chr9-140919593-G-A.
Other names: c.3255G>A, p.Thr1085= (NM_001243812.2); c.3255G>A (NM_000718.3).
Identifiers: ClinVar variation 1637970 (VCV001637970.15), dbSNP rs181867814, ClinGen allele CA5376567.

ClinVar aggregate classification (germline): Benign/Likely benign. Review status: criteria provided, multiple submitters, no conflicts (2 of 4 stars). 4 submissions from 4 submitters: Benign (1); Likely benign (2). 1 of the submissions does not count toward it. Last evaluated 2026-02-01.

Conditions:
CACNA1B-related disorder. Also called: CACNA1B-related condition.

Allele frequency attached by ClinVar (database versions not stated): ESP Exome Variant Server 0.00103; 1000 Genomes Project 0.00220; 1000 Genomes Project 30x 0.00234.
gnomAD v4.1: 509 of 1,612,234 alleles (0.032%); highest among the groups gnomAD compares: African/African-American, 0.58%; 3 homozygotes.

Submissions (4):

CeGaT Center for Human Genetics Tuebingen
Classification: Likely benign. Last evaluated: 2026-02-01. Review status: criteria provided, single submitter. Criteria: CeGaT Center For Human Genetics Tuebingen Variant Classification Criteria Version 2. Collection method: clinical testing. Allele origin: germline. Affected: yes. Observed: 1 variant allele.
Comment: CACNA1B: BP4, BP7

Labcorp Genetics (formerly Invitae), Labcorp
Classification: Benign. Last evaluated: 2026-01-28. Review status: criteria provided, single submitter. Criteria: Invitae Variant Classification Sherloc (09022015). Collection method: clinical testing. Allele origin: germline.

Blueprint Genetics
Classification: Likely benign. Last evaluated: 2024-09-13. Review status: criteria provided, single submitter. Criteria: ACMG Guidelines, 2015. Collection method: clinical testing. Allele origin: germline.

PreventionGenetics, part of Exact Sciences
Classification: Benign for CACNA1B-related condition. Last evaluated: 2019-05-02. Review status: no assertion criteria provided. Collection method: clinical testing. Allele origin: germline. Not counted in ClinVar's aggregate classification.
Comment: This variant is classified as benign based on ACMG/AMP sequence variant interpretation guidelines (Richards et al. 2015 PMID: 25741868, with internal and published modifications).